The following is an entry in ClinVar:

ClinVar aggregate classification (germline): Likely pathogenic. Review status: criteria provided, single submitter (1 of 4 stars). 2 submissions from 2 submitters: Likely pathogenic (1). 1 of the submissions does not count toward it. Last evaluated 2022-02-24.

Conditions:
UNC80-related disorder. Also called: UNC80-related condition.

Submissions (2):

Blueprint Genetics
Classification: Likely pathogenic for UNC80-related disorders. Last evaluated: 2022-02-24. Review status: criteria provided, single submitter. Criteria: ACMG Guidelines, 2015. Collection method: clinical testing. Allele origin: germline. Affected: yes. Observed: 2 variant alleles.

PreventionGenetics, part of Exact Sciences
Classification: Likely pathogenic for UNC80-related condition. Last evaluated: 2024-07-04. Review status: no assertion criteria provided. Collection method: clinical testing. Allele origin: germline. Not counted in ClinVar's aggregate classification.
Comment: The UNC80 c.3846+1G>A variant is predicted to disrupt the GT donor site and interfere with normal splicing. To our knowledge, this variant has not been reported in the literature or in a large population database, indicating this variant is rare. Variants that disrupt the consensus splice donor site in UNC80 are expected to be pathogenic. This variant is interpreted as likely pathogenic.

NM_001371986.1(UNC80):c.3840+1G>A

Genes: UNC80 (unc-80 subunit of NALCN channel complex; plus strand), LOC121725110 (Sharpr-MPRA regulatory region 8902; plus strand). Cytogenetic location: 2q34.
Variant type: single nucleotide variant.
Coding change: c.3840+1G>A on transcript NM_001371986.1 (MANE Select); the canonical splice donor site of the intron after coding-DNA position 3840, G replaced by A.
Molecular consequence: splice donor variant.
Genome position (GRCh38, 1-based): chr2:209,872,971, G>A. VCF-style: chr2-209872971-G-A. GRCh37 (hg19) VCF-style: chr2-210737695-G-A.
Other names: c.3846+1G>A (NM_032504.2); c.3831+1G>A (NM_182587.4).
Identifiers: ClinVar variation 3347031 (VCV003347031.2).
Genomic context (GRCh38, chr2:209,872,971, plus strand): 5'-AACAAGCGAAACCAGAAGCTGCAGTGGAATGCAGCCAAGCTCTTCTACCAATGGGGAGAC[G>A]TGAGCTTTCGGTTTTCTTCTATAACAATTAGGTTGCTTAAGTGAAGTGGAGTCATTTTTT-3'